The following is an entry in ClinVar:

ClinVar aggregate classification (germline): Pathogenic/Likely pathogenic. Review status: criteria provided, multiple submitters, no conflicts (2 of 4 stars). 3 submissions from 3 submitters: Pathogenic (1); Likely pathogenic (1). 1 of the submissions does not count toward it. Last evaluated 2022-02-01.

Conditions:
Autosomal recessive Alport syndrome (ATS2). Also called: COL4A3-Related Nephropathy; Alport syndrome type 2; ALPORT SYNDROME 2, AUTOSOMAL RECESSIVE; COL4A4 Alport Syndrome and Thin Basement Membrane Nephropathy. Identifiers: Orphanet 63, Orphanet 88919, MedGen C4746745, MONDO:0008762, OMIM 203780.
Benign familial hematuria. Also called: thin basement membrane disease. Identifiers: MedGen C0241908, MONDO:0957317.

Allele frequency attached by ClinVar (database versions not stated): gnomAD 0.00001; TOPMed 0.00001.
gnomAD v4.1: 1 of 1,614,122 alleles (0.000062%); highest among the groups gnomAD compares: African/African-American, 0.0013%; no homozygotes.

Submissions (3):

Fulgent Genetics
Classification: Likely pathogenic for Hematuria, benign familial, 1; Autosomal recessive Alport syndrome. Last evaluated: 2022-02-01. Review status: criteria provided, single submitter. Criteria: ACMG Guidelines, 2015. Collection method: clinical testing. Allele origin: unknown.

Labcorp Genetics (formerly Invitae), Labcorp
Classification: Pathogenic. Last evaluated: 2019-04-19. Review status: criteria provided, single submitter. Criteria: Invitae Variant Classification Sherloc (09022015). Collection method: clinical testing. Allele origin: germline.
Comment: This sequence change creates a premature translational stop signal (p.Tyr1541*) in the COL4A4 gene. It is expected to result in an absent or disrupted protein product. For these reasons, this variant has been classified as Pathogenic. Loss-of-function variants in COL4A4 are known to be pathogenic (PMID: 11961012, 14582039, 19129241, 21196518, 24052634, 24522496, 24854265, 25307543, 26809805, 27281700). This variant has not been reported in the literature in individuals with COL4A4-related conditions. ClinVar contains an entry for this variant (Variation ID: 557998). This variant is not present in population databases (ExAC no frequency).

Counsyl
Classification: Likely pathogenic for Autosomal recessive Alport syndrome. Last evaluated: 2018-04-23. Review status: no assertion criteria provided. Collection method: clinical testing. Allele origin: unknown. Not counted in ClinVar's aggregate classification.

Literature cited by the submitters: PubMed 11961012 (cited by Labcorp Genetics (formerly Invitae), Labcorp); PubMed 14582039 (cited by Labcorp Genetics (formerly Invitae), Labcorp); PubMed 19129241 (cited by Labcorp Genetics (formerly Invitae), Labcorp); PubMed 21196518 (cited by Labcorp Genetics (formerly Invitae), Labcorp); PubMed 24052634 (cited by Labcorp Genetics (formerly Invitae), Labcorp); PubMed 24522496 (cited by Labcorp Genetics (formerly Invitae), Labcorp); PubMed 24854265 (cited by Labcorp Genetics (formerly Invitae), Labcorp); PubMed 25307543 (cited by Labcorp Genetics (formerly Invitae), Labcorp); PubMed 26809805 (cited by Labcorp Genetics (formerly Invitae), Labcorp); PubMed 27281700 (cited by Labcorp Genetics (formerly Invitae), Labcorp).

NM_000092.5(COL4A4):c.4623C>G (p.Tyr1541Ter)

Gene: COL4A4 (collagen type IV alpha 4 chain; minus strand). Cytogenetic location: 2q36.3.
Variant type: single nucleotide variant.
Coding change: c.4623C>G on transcript NM_000092.5 (MANE Select); coding-DNA position 4623, C replaced by G.
Protein change: p.Tyr1541Ter; replaces tyrosine 1541 with a stop codon.
Molecular consequence: nonsense.
Genome position (GRCh38, 1-based): chr2:227,008,204, G>C on the plus strand (C>G on the coding strand, the complement: COL4A4 is on the minus strand). VCF-style: chr2-227008204-G-C. GRCh37 (hg19) VCF-style: chr2-227872920-G-C.
Other names: short protein forms Y1541*.
Identifiers: ClinVar variation 557998 (VCV000557998.11), dbSNP rs891854419, ClinGen allele CA67238300.